The following is an entry in ClinVar:

ClinVar aggregate classification (germline): Pathogenic/Likely pathogenic. Review status: criteria provided, multiple submitters, no conflicts (2 of 4 stars). 4 submissions from 3 submitters: Pathogenic (3); Likely pathogenic (1). Last evaluated 2023-04-11.

Conditions:
Retinitis pigmentosa 12 (RP12). Also called: RP WITH OR WITHOUT PPRPE; RP WITH OR WITHOUT PRESERVED PARAARTERIOLE RETINAL PIGMENT EPITHELIUM; RETINITIS PIGMENTOSA WITH OR WITHOUT PARAARTERIOLAR PRESERVATION OF RETINAL PIGMENT EPITHELIUM. Identifiers: Orphanet 791, MedGen C1838647, MONDO:0010818, OMIM 600105.
Leber congenital amaurosis 8 (LCA8). Identifiers: Orphanet 65, MedGen C3151202, MONDO:0013453, OMIM 613835.

Allele frequency attached by ClinVar (database versions not stated): gnomAD 0.00001.
gnomAD v4.1: 1 of 1,614,104 alleles (0.000062%); highest among the groups gnomAD compares: South Asian, 0.0011%; no homozygotes.

Submissions (4):

Genome-Nilou Lab
Classification: Pathogenic for Leber congenital amaurosis 8. Last evaluated: 2023-04-11. Review status: criteria provided, single submitter. Criteria: ACMG Guidelines, 2015. Collection method: clinical testing. Allele origin: germline. Affected: no.

Genome-Nilou Lab
Classification: Pathogenic for Retinitis pigmentosa 12. Last evaluated: 2023-04-11. Review status: criteria provided, single submitter. Criteria: ACMG Guidelines, 2015. Collection method: clinical testing. Allele origin: germline. Affected: no.

Revvity Omics, Revvity
Classification: Likely pathogenic. Last evaluated: 2023-02-09. Review status: criteria provided, single submitter. Criteria: ACMG Guidelines, 2015. Collection method: clinical testing. Allele origin: germline.

Labcorp Genetics (formerly Invitae), Labcorp
Classification: Pathogenic for Leber congenital amaurosis 8; Retinitis pigmentosa 12. Last evaluated: 2020-09-25. Review status: criteria provided, single submitter. Criteria: Invitae Variant Classification Sherloc (09022015). Collection method: clinical testing. Allele origin: germline.
Comment: For these reasons, this variant has been classified as Pathogenic. Loss-of-function variants in CRB1 are known to be pathogenic (PMID: 10508521, 22065545, 23379534, 25412400, 26957898, 28041643, 29391521). This variant has not been reported in the literature in individuals with CRB1-related conditions. This variant is not present in population databases (ExAC no frequency). This sequence change creates a premature translational stop signal (p.Gln461*) in the CRB1 gene. It is expected to result in an absent or disrupted protein product.

Literature cited by the submitters: PubMed 10508521 (cited by Labcorp Genetics (formerly Invitae), Labcorp); PubMed 22065545 (cited by Labcorp Genetics (formerly Invitae), Labcorp); PubMed 23379534 (cited by Labcorp Genetics (formerly Invitae), Labcorp); PubMed 25412400 (cited by Labcorp Genetics (formerly Invitae), Labcorp); PubMed 26957898 (cited by Labcorp Genetics (formerly Invitae), Labcorp); PubMed 28041643 (cited by Labcorp Genetics (formerly Invitae), Labcorp); PubMed 29391521 (cited by Labcorp Genetics (formerly Invitae), Labcorp).

NM_201253.3(CRB1):c.1381C>T (p.Gln461Ter)

Gene: CRB1 (crumbs cell polarity complex component 1; plus strand). Cytogenetic location: 1q31.3.
Variant type: single nucleotide variant.
Coding change: c.1381C>T on transcript NM_201253.3 (MANE Select); coding-DNA position 1381, C replaced by T.
Protein change: p.Gln461Ter; replaces glutamine 461 with a stop codon.
Molecular consequence: nonsense. On other transcripts: non-coding transcript variant (2).
Genome position (GRCh38, 1-based): chr1:197,421,209, C>T. VCF-style: chr1-197421209-C-T. GRCh37 (hg19) VCF-style: chr1-197390339-C-T.
Other names: c.1045C>T, p.Gln349Ter (NM_001193640.2); c.1174C>T, p.Gln392Ter (NM_001257965.2); c.1381C>T, p.Gln461Ter (NM_001257966.2); short protein forms Q392*, Q349*, Q461*.
Identifiers: ClinVar variation 955768 (VCV000955768.12), dbSNP rs1664292210, ClinGen allele CA344030641.
Genomic context (GRCh38, chr1:197,421,209, plus strand): 5'-ATTCTCCTGGGCTGTACCCATCAGCAATGTCTAAATAATGGAACATGCATCCCTCACTTC[C>T]AAGATGGCCAGCATGGATTCAGCTGCCTATGTCCATCTGGCTACACCGGGTCCCTGTGTG-3'